The following is an entry in ClinVar:

ClinVar aggregate classification (germline): Uncertain significance (1 of 4 stars; one submission).

Conditions:
Developmental and epileptic encephalopathy 94 (DEE94). Also called: Epileptic encephalopathy, childhood-onset; CHD2-Related Neurodevelopmental Disorders. Identifiers: Orphanet 1942, Orphanet 2382, MedGen C3809278, MONDO:0014150, OMIM 615369.

Allele frequency attached by ClinVar (database versions not stated): gnomAD exomes below 0.00001; ESP Exome Variant Server 0.00008.

Submission:

Labcorp Genetics (formerly Invitae), Labcorp
Classification: Uncertain significance for Developmental and epileptic encephalopathy 94. Last evaluated: 2022-03-19. Review status: criteria provided, single submitter. Criteria: Invitae Variant Classification Sherloc (09022015). Collection method: clinical testing. Allele origin: germline.
Comment: This variant has not been reported in the literature in individuals affected with CHD2-related conditions. In summary, the available evidence is currently insufficient to determine the role of this variant in disease. Therefore, it has been classified as a Variant of Uncertain Significance. Advanced modeling of protein sequence and biophysical properties (such as structural, functional, and spatial information, amino acid conservation, physicochemical variation, residue mobility, and thermodynamic stability) performed at Invitae indicates that this missense variant is not expected to disrupt CHD2 protein function. This variant is present in population databases (rs369773756, gnomAD 0.0009%). This sequence change replaces leucine, which is neutral and non-polar, with isoleucine, which is neutral and non-polar, at codon 335 of the CHD2 protein (p.Leu335Ile).

NM_001271.4(CHD2):c.1003C>A (p.Leu335Ile)

Gene: CHD2 (chromodomain helicase DNA binding protein 2; plus strand). Cytogenetic location: 15q26.1.
Variant type: single nucleotide variant.
Coding change: c.1003C>A on transcript NM_001271.4 (MANE Select); coding-DNA position 1003, C replaced by A.
Protein change: p.Leu335Ile; replaces leucine 335 with isoleucine.
Molecular consequence: missense variant.
Genome position (GRCh38, 1-based): chr15:92,943,019, C>A. VCF-style: chr15-92943019-C-A. GRCh37 (hg19) VCF-style: chr15-93486249-C-A.
Other names: c.1003C>A, p.Leu335Ile (NM_001042572.3); short protein forms L335I.
Identifiers: ClinVar variation 1439803 (VCV001439803.8), dbSNP rs369773756, ClinGen allele CA274871790.
Genomic context (GRCh38, chr15:92,943,019, plus strand): 5'-TCTTACATCCACAGCACATGGGAGAGTGAAGAATCCTTACAGCAACAGAAAGTGAAGGGC[C>A]TAAAAAAACTAGAGAACTTCAAGAAAAAAGAGGACGAAATCAAACAATGGTATATTTTCC-3'
Protein context (NP_001262.3, residues 325-345): ESLQQQKVKG[Leu335Ile]KKLENFKKKE